The following is an entry in ClinVar:

NM_003791.4(MBTPS1):c.11T>A (p.Val4Asp)

Gene: MBTPS1 (membrane bound transcription factor peptidase, site 1; minus strand). Cytogenetic location: 16q24.1.
Variant type: single nucleotide variant.
Coding change: c.11T>A on transcript NM_003791.4 (MANE Select); coding-DNA position 11, T replaced by A.
Protein change: p.Val4Asp; replaces valine 4 with aspartic acid.
Molecular consequence: missense variant.
Genome position (GRCh38, 1-based): chr16:84,101,773, A>T on the plus strand (T>A on the coding strand, the complement: MBTPS1 is on the minus strand). VCF-style: chr16-84101773-A-T. GRCh37 (hg19) VCF-style: chr16-84135378-A-T.
Other names: short protein forms V4D.
Identifiers: ClinVar variation 1978813 (VCV001978813.4), dbSNP rs2086260137, ClinGen allele CA396943673.
Genomic context (GRCh38, chr16:84,101,773, plus strand): 5'-CTGTCGCCCAGATGTTTCTTCCCACAGAGCAAAACCACGAGCAGAAGCAGCCAGATGTTG[A>T]CAAGCTTCATGGTCACAAGCGAATATGATCATAAAATTGCATATATTCAAATCACACTTT-3'
Protein context (NP_003782.1, residues 1-14): MKL[Val4Asp]NIWLLLLVVL

ClinVar aggregate classification (germline): Uncertain significance (1 of 4 stars; one submission).

Submission:

Labcorp Genetics (formerly Invitae), Labcorp
Classification: Uncertain significance. Last evaluated: 2024-12-09. Review status: criteria provided, single submitter. Criteria: Invitae Variant Classification Sherloc (09022015). Collection method: clinical testing. Allele origin: germline.
Comment: This sequence change replaces valine, which is neutral and non-polar, with aspartic acid, which is acidic and polar, at codon 4 of the MBTPS1 protein (p.Val4Asp). This variant is not present in population databases (gnomAD no frequency). This variant has not been reported in the literature in individuals affected with MBTPS1-related conditions. ClinVar contains an entry for this variant (Variation ID: 1978813). An algorithm developed to predict the effect of missense changes on protein structure and function (PolyPhen-2) suggests that this variant is likely to be tolerated. In summary, the available evidence is currently insufficient to determine the role of this variant in disease. Therefore, it has been classified as a Variant of Uncertain Significance.